The following is an entry in ClinVar:

NM_006013.5(RPL10):c.*163C>T

Gene: RPL10 (ribosomal protein L10; plus strand). Cytogenetic location: Xq28.
Variant type: single nucleotide variant.
Coding change: c.*163C>T on transcript NM_006013.5 (MANE Select); 163 bases downstream of the stop codon, C replaced by T.
Molecular consequence: 3 prime UTR variant. On other transcripts: synonymous variant (1).
Genome position (GRCh38, 1-based): chrX:154,401,017, C>T. VCF-style: chrX-154401017-C-T. GRCh37 (hg19) VCF-style: chrX-153629358-C-T.
Other names: c.645C>T, p.Cys215= (NM_001256577.2); c.*163C>T (NM_001256580.2, NM_001303624.2, NM_001303625.1); c.*359C>T (NM_001303626.1).
Identifiers: ClinVar variation 2661801 (VCV002661801.24), dbSNP rs782758857, ClinGen allele CA10561966.

ClinVar aggregate classification (germline): Likely benign (1 of 4 stars; one submission).

Allele frequency attached by ClinVar (database versions not stated): gnomAD exomes 0.00002; ExAC 0.00026.

Submission:

CeGaT Center for Human Genetics Tuebingen
Classification: Likely benign. Last evaluated: 2023-03-01. Review status: criteria provided, single submitter. Criteria: CeGaT Center For Human Genetics Tuebingen Variant Classification Criteria Version 2. Collection method: clinical testing. Allele origin: germline. Affected: yes. Observed: 1 variant allele.
Comment: RPL10: BP4, BP7, BS2